The following is an entry in ClinVar:

NM_000293.2(PHKB):c.-45A>G

Genes: PHKB (phosphorylase kinase regulatory subunit beta; plus strand), LOC130058947 (ATAC-STARR-seq lymphoblastoid silent region 7451; plus strand). Cytogenetic location: 16q12.1.
Variant type: single nucleotide variant.
Coding change: c.-45A>G on transcript NM_000293.2; 45 bases upstream of the start codon, A replaced by G.
Molecular consequence: 5 prime UTR variant (on NM_001363837.1).
Genome position (GRCh38, 1-based): chr16:47,461,306, A>G. VCF-style: chr16-47461306-A-G. GRCh37 (hg19) VCF-style: chr16-47495217-A-G.
Other names: c.-45A>G (NM_001363837.1).
Identifiers: ClinVar variation 384782 (VCV000384782.3), dbSNP rs763900696, ClinGen allele CA8040275.

ClinVar aggregate classification (germline): Likely benign (1 of 4 stars; one submission).

Allele frequency attached by ClinVar (database versions not stated): TOPMed 0.00001; gnomAD exomes 0.00002 and 0.00001; ExAC 0.00004.
gnomAD v4.1: 14 of 1,498,350 alleles (0.00093%); highest among the groups gnomAD compares: Non-Finnish European, 0.0013%; no homozygotes.

Submission:

GeneDx
Classification: Likely benign. Last evaluated: 2016-09-08. Review status: criteria provided, single submitter. Criteria: GeneDx Variant Classification (06012015). Collection method: clinical testing. Allele origin: germline. Affected: yes.
Comment: This variant is considered likely benign or benign based on one or more of the following criteria: it is a conservative change, it occurs at a poorly conserved position in the protein, it is predicted to be benign by multiple in silico algorithms, and/or has population frequency not consistent with disease.